The following is an entry in ClinVar:

ClinVar aggregate classification (germline): Uncertain significance (1 of 4 stars; one submission).

Conditions:
Mitochondrial DNA depletion syndrome 9 (MTDPS9). Also called: SUCLG1-Related Mitochondrial DNA Depletion Syndrome, Encephalomyopathic Form with Methylmalonic Aciduria. Identifiers: Orphanet 17, MedGen C3151476, MONDO:0009504, OMIM 245400.

Allele frequency attached by ClinVar (database versions not stated): TOPMed below 0.00001.

Submission:

Labcorp Genetics (formerly Invitae), Labcorp
Classification: Uncertain significance for Mitochondrial DNA depletion syndrome 9. Last evaluated: 2022-08-13. Review status: criteria provided, single submitter. Criteria: Invitae Variant Classification Sherloc (09022015). Collection method: clinical testing. Allele origin: germline.
Comment: This sequence change replaces isoleucine, which is neutral and non-polar, with valine, which is neutral and non-polar, at codon 137 of the SUCLG1 protein (p.Ile137Val). This variant is not present in population databases (gnomAD no frequency). This variant has not been reported in the literature in individuals affected with SUCLG1-related conditions. Algorithms developed to predict the effect of missense changes on protein structure and function output the following: SIFT: "Tolerated"; PolyPhen-2: "Benign"; Align-GVGD: "Class C0". The valine amino acid residue is found in multiple mammalian species, which suggests that this missense change does not adversely affect protein function. In summary, the available evidence is currently insufficient to determine the role of this variant in disease. Therefore, it has been classified as a Variant of Uncertain Significance.

NM_003849.4(SUCLG1):c.409A>G (p.Ile137Val)

Gene: SUCLG1 (succinate-CoA ligase GDP/ADP-forming subunit alpha; minus strand). Cytogenetic location: 2p11.2.
Variant type: single nucleotide variant.
Coding change: c.409A>G on transcript NM_003849.4 (MANE Select); coding-DNA position 409, A replaced by G.
Protein change: p.Ile137Val; replaces isoleucine 137 with valine.
Molecular consequence: missense variant.
Genome position (GRCh38, 1-based): chr2:84,441,369, T>C on the plus strand (A>G on the coding strand, the complement: SUCLG1 is on the minus strand). VCF-style: chr2-84441369-T-C. GRCh37 (hg19) VCF-style: chr2-84668493-T-C.
Other names: short protein forms I137V.
Identifiers: ClinVar variation 1716365 (VCV001716365.3), dbSNP rs1441696658, ClinGen allele CA347515807.
Genomic context (GRCh38, chr2:84,441,369, plus strand): 5'-GCTTGACTCGTACCATGTCCTGCTGGGGAATTCCTTCAGTGATACACACAACCAAGGGAA[T>C]TTCTGCCTCAATAGCTTCATTAATGGCAGCAGCAGCAAAAGGCGGAGGAACATAAATGAC-3'
Protein context (NP_003840.2, residues 127-147): AAINEAIEAE[Ile137Val]PLVVCITEGI